The following is an entry in ClinVar:

NM_001104631.2(PDE4D):c.1197A>G (p.Glu399=)

Gene: PDE4D (phosphodiesterase 4D; minus strand). Cytogenetic location: 5q11.2.
Variant type: single nucleotide variant.
Coding change: c.1197A>G on transcript NM_001104631.2 (MANE Select); coding-DNA position 1197, A replaced by G.
Protein change: p.Glu399=; no amino-acid change (glutamic acid 399 retained).
Molecular consequence: synonymous variant.
Genome position (GRCh38, 1-based): chr5:58,990,894, T>C on the plus strand (A>G on the coding strand, the complement: PDE4D is on the minus strand). VCF-style: chr5-58990894-T-C. GRCh37 (hg19) VCF-style: chr5-58286721-T-C.
Other names: c.1014A>G, p.Glu338= (NM_001165899.2, NM_001364599.1); c.1005A>G, p.Glu335= (NM_001197218.2); c.831A>G, p.Glu277= (NM_001197219.2); c.807A>G, p.Glu269= (NM_001197220.2); c.291A>G, p.Glu97= (NM_001197221.2, NM_001364603.1); c.525A>G, p.Glu175= (NM_001197222.2); c.324A>G, p.Glu108= (NM_001197223.2); c.984A>G, p.Glu328= (NM_001349241.2); and 3 more.
Identifiers: ClinVar variation 353993 (VCV000353993.37), dbSNP rs369906474, ClinGen allele CA3276119.

ClinVar aggregate classification (germline): Likely benign. Review status: criteria provided, multiple submitters, no conflicts (2 of 4 stars). 4 submissions from 4 submitters: Likely benign (4). Last evaluated 2024-10-23.

Conditions:
Acrodysostosis 2 with or without hormone resistance. Also called: ACRODYSOSTOSIS 2 WITH HORMONE RESISTANCE; ACRODYSOSTOSIS 2 WITHOUT HORMONE RESISTANCE. Identifiers: Orphanet 280651, MedGen C3553250, MONDO:0013822, OMIM 614613.

Allele frequency attached by ClinVar (database versions not stated): gnomAD 0.00005; gnomAD exomes 0.00006; TOPMed 0.00006; ExAC 0.00008; ESP Exome Variant Server 0.00008.
gnomAD v4.1: 100 of 1,573,960 alleles (0.0064%); highest among the groups gnomAD compares: Middle Eastern, 0.067%; no homozygotes.

Submissions (4):

Labcorp Genetics (formerly Invitae), Labcorp
Classification: Likely benign. Last evaluated: 2024-10-23. Review status: criteria provided, single submitter. Criteria: Invitae Variant Classification Sherloc (09022015). Collection method: clinical testing. Allele origin: germline.

Blueprint Genetics
Classification: Likely benign. Last evaluated: 2024-10-17. Review status: criteria provided, single submitter. Criteria: ACMG Guidelines, 2015. Collection method: clinical testing. Allele origin: germline.

CeGaT Center for Human Genetics Tuebingen
Classification: Likely benign. Last evaluated: 2023-10-01. Review status: criteria provided, single submitter. Criteria: CeGaT Center For Human Genetics Tuebingen Variant Classification Criteria Version 2. Collection method: clinical testing. Allele origin: germline. Affected: yes. Observed: 1 variant allele.
Comment: PDE4D: BP4, BP7

Illumina Laboratory Services, Illumina
Classification: Likely benign for Acrodysostosis 2 with or without hormone resistance. Last evaluated: 2018-01-12. Review status: criteria provided, single submitter. Criteria: ICSL Variant Classification Criteria 13 December 2019. Collection method: clinical testing. Allele origin: germline.
Comment: This variant was observed in the ICSL laboratory as part of a predisposition screen in an ostensibly healthy population. It had not been previously curated by ICSL or reported in the Human Gene Mutation Database (HGMD: prior to June 1st, 2018), and was therefore a candidate for classification through an automated scoring system. Utilizing variant allele frequency, disease prevalence and penetrance estimates, and inheritance mode, an automated score was calculated to assess if this variant is too frequent to cause the disease. Based on the score and internal cut-off values, a variant classified as likely benign is not then subjected to further curation. The score for this variant resulted in a classification of likely benign for this disease.